The following is an entry in ClinVar:

ClinVar aggregate classification (germline): Uncertain significance. Review status: criteria provided, multiple submitters, no conflicts (2 of 4 stars). 3 submissions from 3 submitters: Uncertain significance (3). Last evaluated 2025-09-11.

Conditions:
Inborn genetic diseases. Identifiers: MedGen C0950123, MeSH D030342.
Fanconi anemia (FA). Also called: Fanconi's anemia. Identifiers: Orphanet 84, MedGen C0015625, MeSH D005199, MONDO:0019391.

Allele frequency attached by ClinVar (database versions not stated): gnomAD exomes below 0.00001; gnomAD 0.00001; TOPMed 0.00001.
gnomAD v4.1: 3 of 1,612,330 alleles (0.00019%); highest among the groups gnomAD compares: African/African-American, 0.004%; no homozygotes.

Submissions (3):

Ambry Genetics
Classification: Uncertain significance for Inborn genetic diseases. Last evaluated: 2025-09-11. Review status: criteria provided, single submitter. Criteria: Ambry Variant Classification Scheme 2023. Collection method: clinical testing. Allele origin: germline.

Labcorp Genetics (formerly Invitae), Labcorp
Classification: Uncertain significance for Fanconi anemia. Last evaluated: 2016-10-04. Review status: criteria provided, single submitter. Criteria: Invitae Variant Classification Sherloc (09022015). Collection method: clinical testing. Allele origin: germline.
Comment: In summary, this variant is a novel missense change that is not predicted to affect protein function. There is no indication that it causes disease, but the available evidence is currently insufficient to prove that conclusively. Therefore, it has been classified as a Variant of Uncertain Significance. Algorithms developed to predict the effect of missense changes on protein structure and function (SIFT, PolyPhen-2, Align-GVGD) all suggest that this variant is likely to be tolerated, but these predictions have not been confirmed by published functional studies. This variant is not present in population databases (ExAC no frequency) and has not been reported in the literature in individuals with a SLX4-related disease. This sequence change replaces histidine with leucine at codon 1360 of the SLX4 protein (p.His1360Leu). The histidine residue is weakly conserved and there is a moderate physicochemical difference between histidine and leucine.

Breakthrough Genomics
Classification: Uncertain significance. Review status: criteria provided, single submitter. Criteria: ACMG Guidelines, 2015. Collection method: not provided. Allele origin: germline. Inheritance: Autosomal recessive inheritance. Affected: yes.

NM_032444.4(SLX4):c.4079A>T (p.His1360Leu)

Gene: SLX4 (SLX4 structure-specific endonuclease subunit; minus strand). Cytogenetic location: 16p13.3.
Variant type: single nucleotide variant.
Coding change: c.4079A>T on transcript NM_032444.4 (MANE Select); coding-DNA position 4079, A replaced by T.
Protein change: p.His1360Leu; replaces histidine 1360 with leucine.
Molecular consequence: missense variant.
Genome position (GRCh38, 1-based): chr16:3,589,559, T>A on the plus strand (A>T on the coding strand, the complement: SLX4 is on the minus strand). VCF-style: chr16-3589559-T-A. GRCh37 (hg19) VCF-style: chr16-3639560-T-A.
Other names: c.4079A>T (LRG_503t1); short protein forms H1360L.
Identifiers: ClinVar variation 407907 (VCV000407907.10), dbSNP rs1060501793, ClinGen allele CA16615325.
Genomic context (GRCh38, chr16:3,589,559, plus strand): 5'-CCAGGCGGCGAGTGTTTCAGGAACCGCCTGCTGAAGTGGGCGCGGTCCCCTGAGATGGGA[T>A]GTGGAGCCAGCGGAGAGGAGTGCGGGTGGCCCCCGGGGTGGGGACGGGAAGGGCTTCTGT-3'
Protein context (NP_115820.2, residues 1350-1370): GHPHSSPLAP[His1360Leu]PISGDRAHFS